The following is an entry in ClinVar:

NM_001385012.1(NBEA):c.5393C>T (p.Pro1798Leu)

Gene: NBEA (neurobeachin; plus strand). Cytogenetic location: 13q13.3.
Variant type: single nucleotide variant.
Coding change: c.5393C>T on transcript NM_001385012.1 (MANE Select); coding-DNA position 5393, C replaced by T.
Protein change: p.Pro1798Leu; replaces proline 1798 with leucine.
Molecular consequence: missense variant.
Genome position (GRCh38, 1-based): chr13:35,208,726, C>T. VCF-style: chr13-35208726-C-T. GRCh37 (hg19) VCF-style: chr13-35782863-C-T.
Other names: c.5384C>T, p.Pro1795Leu (NM_001379245.1); c.5393C>T, p.Pro1798Leu (NM_015678.5); short protein forms P1795L, P1798L.
Identifiers: ClinVar variation 3402922 (VCV003402922.14).

ClinVar aggregate classification (germline): Likely benign. Review status: criteria provided, multiple submitters, no conflicts (2 of 4 stars). 2 submissions from 2 submitters: Likely benign (2). Last evaluated 2025-02-01.

Conditions:
Inborn genetic diseases. Identifiers: MedGen C0950123, MeSH D030342.

gnomAD v4.1: 27 of 1,601,032 alleles (0.0017%); highest among the groups gnomAD compares: Middle Eastern, 0.033%; no homozygotes.

Submissions (2):

CeGaT Center for Human Genetics Tuebingen
Classification: Likely benign. Last evaluated: 2025-02-01. Review status: criteria provided, single submitter. Criteria: CeGaT Center For Human Genetics Tuebingen Variant Classification Criteria Version 2. Collection method: clinical testing. Allele origin: germline. Affected: yes. Observed: 1 variant allele.
Comment: NBEA: BS2

Ambry Genetics
Classification: Likely benign for Inborn genetic diseases. Last evaluated: 2024-09-27. Review status: criteria provided, single submitter. Criteria: Ambry Variant Classification Scheme 2023. Collection method: clinical testing. Allele origin: germline.